The following is an entry in ClinVar:

NM_001939.3(DRP2):c.556A>G (p.Lys186Glu)

Gene: DRP2 (dystrophin related protein 2; plus strand). Cytogenetic location: Xq22.1.
Variant type: single nucleotide variant.
Coding change: c.556A>G on transcript NM_001939.3 (MANE Select); coding-DNA position 556, A replaced by G.
Protein change: p.Lys186Glu; replaces lysine 186 with glutamic acid.
Molecular consequence: missense variant.
Genome position (GRCh38, 1-based): chrX:101,239,098, A>G. VCF-style: chrX-101239098-A-G. GRCh37 (hg19) VCF-style: chrX-100494087-A-G.
Other names: c.322A>G, p.Lys108Glu (NM_001171184.2); short protein forms K108E, K186E.
Identifiers: ClinVar variation 3623345 (VCV003623345.2).

ClinVar aggregate classification (germline): Uncertain significance (1 of 4 stars; one submission).

gnomAD v4.1: 5 of 1,209,214 alleles (0.00041%); highest among the groups gnomAD compares: African/African-American, 0.0087%; no homozygotes.

Submission:

Labcorp Genetics (formerly Invitae), Labcorp
Classification: Uncertain significance. Last evaluated: 2024-10-21. Review status: criteria provided, single submitter. Criteria: Invitae Variant Classification Sherloc (09022015). Collection method: clinical testing. Allele origin: germline.
Comment: This sequence change replaces lysine, which is basic and polar, with glutamic acid, which is acidic and polar, at codon 186 of the DRP2 protein (p.Lys186Glu). This variant is present in population databases (rs756298936, gnomAD 0.008%). This variant has not been reported in the literature in individuals affected with DRP2-related conditions. Invitae Evidence Modeling of protein sequence and biophysical properties (such as structural, functional, and spatial information, amino acid conservation, physicochemical variation, residue mobility, and thermodynamic stability) indicates that this missense variant is not expected to disrupt DRP2 protein function with a negative predictive value of 80%. In summary, the available evidence is currently insufficient to determine the role of this variant in disease. Therefore, it has been classified as a Variant of Uncertain Significance.